The following is an entry in ClinVar:

ClinVar aggregate classification (germline): Uncertain significance (1 of 4 stars; one submission).

Allele frequency attached by ClinVar (database versions not stated): ExAC 0.00001; gnomAD exomes 0.00001.
gnomAD v4.1: 4 of 1,614,182 alleles (0.00025%); highest among the groups gnomAD compares: Non-Finnish European, 0.00034%; no homozygotes.

Submission:

Labcorp Genetics (formerly Invitae), Labcorp
Classification: Uncertain significance. Last evaluated: 2021-11-06. Review status: criteria provided, single submitter. Criteria: Invitae Variant Classification Sherloc (09022015). Collection method: clinical testing. Allele origin: germline.
Comment: This variant has not been reported in the literature in individuals affected with RIPK1-related conditions. This variant is present in population databases (rs768402073, gnomAD 0.0009%). This sequence change replaces tyrosine, which is neutral and polar, with histidine, which is basic and polar, at codon 426 of the RIPK1 protein (p.Tyr426His). Algorithms developed to predict the effect of missense changes on protein structure and function output the following: SIFT: "Not Available"; PolyPhen-2: "Benign"; Align-GVGD: "Not Available". The histidine amino acid residue is found in multiple mammalian species, which suggests that this missense change does not adversely affect protein function. In summary, the available evidence is currently insufficient to determine the role of this variant in disease. Therefore, it has been classified as a Variant of Uncertain Significance.

NM_001354930.2(RIPK1):c.1276T>C (p.Tyr426His)

Gene: RIPK1 (receptor interacting serine/threonine kinase 1; plus strand). Cytogenetic location: 6p25.2.
Variant type: single nucleotide variant.
Coding change: c.1276T>C on transcript NM_001354930.2 (MANE Select); coding-DNA position 1276, T replaced by C.
Protein change: p.Tyr426His; replaces tyrosine 426 with histidine.
Molecular consequence: missense variant.
Genome position (GRCh38, 1-based): chr6:3,105,751, T>C. VCF-style: chr6-3105751-T-C. GRCh37 (hg19) VCF-style: chr6-3105985-T-C.
Other names: c.787T>C, p.Tyr263His (NM_001317061.3, NM_001354932.2, NM_001354933.2 and 1 more transcripts); c.1138T>C, p.Tyr380His (NM_001354931.2); c.1276T>C, p.Tyr426His (NM_003804.6); short protein forms Y380H, Y426H, Y263H.
Identifiers: ClinVar variation 1501978 (VCV001501978.6), dbSNP rs768402073, ClinGen allele CA3618404.